The following is an entry in ClinVar:

NC_000002.11:g.(?_179423747)_(179424505_?)del

Gene: TTN (titin; minus strand). Cytogenetic location: 2q31.2.
Variant type: Deletion.
Identifiers: ClinVar variation 3247294 (VCV003247294.1).

ClinVar aggregate classification (germline): Likely pathogenic (1 of 4 stars; one submission).

Conditions:
Autosomal recessive limb-girdle muscular dystrophy type 2J (LGMDR10). Also called: Limb-girdle muscular dystrophy, type 2J; MUSCULAR DYSTROPHY, LIMB-GIRDLE, AUTOSOMAL RECESSIVE 10. Identifiers: Orphanet 140922, MedGen C1837342, MONDO:0012127, OMIM 608807.
Dilated cardiomyopathy 1G (CMD1G). Identifiers: Orphanet 154, MedGen C1858763, MONDO:0011400, OMIM 604145.

Submission:

Labcorp Genetics (formerly Invitae), Labcorp
Classification: Likely pathogenic for Dilated cardiomyopathy 1G; Autosomal recessive limb-girdle muscular dystrophy type 2J. Last evaluated: 2018-12-18. Review status: criteria provided, single submitter. Criteria: Invitae Variant Classification Sherloc (09022015). Collection method: clinical testing. Allele origin: unknown.
Comment: This variant is located in the A band of TTN (PMID: 25589632). Truncating variants in this region are significantly overrepresented in patients affected with dilated cardiomyopathy (PMID: 25589632). Truncating variants in this region have also been reported in individuals affected with autosomal recessive centronuclear myopathy (PMID: 23975875). In summary, the currently available evidence indicates that the variant is pathogenic, but additional data are needed to prove that conclusively. Therefore, this variant has been classified as Likely Pathogenic. This variant has not been reported in the literature in individuals with TTN-related disease. This variant is an in-frame deletion of the genomic region encompassing part of exon 326, including the exon 326-intron 326 boundary¬†of the TTN gene (c.86354_86821+291del). While this is not anticipated to result in nonsense mediated decay, it is expected to create a truncated TTN protein.

Literature cited by the submitters: PubMed 25589632; PubMed 23975875.